The following is an entry in ClinVar:

NM_001875.5(CPS1):c.1164+4C>G

Gene: CPS1 (carbamoyl-phosphate synthase 1; plus strand). Cytogenetic location: 2q34.
Variant type: single nucleotide variant.
Coding change: c.1164+4C>G on transcript NM_001875.5 (MANE Select); 4 bases into the intron after coding-DNA position 1164, C replaced by G.
Molecular consequence: intron variant.
Genome position (GRCh38, 1-based): chr2:210,592,960, C>G. VCF-style: chr2-210592960-C-G. GRCh37 (hg19) VCF-style: chr2-211457684-C-G.
Other names: c.1164+4C>G (NM_001369257.1, NM_001122633.3); c.1197+4C>G (NM_001369256.1).
Identifiers: ClinVar variation 3711130 (VCV003711130.2).

ClinVar aggregate classification (germline): Uncertain significance (1 of 4 stars; one submission).

Conditions:
Congenital hyperammonemia, type I. Also called: CPS I DEFICIENCY; Carbamoyl phosphate synthetase 1 deficiency; Hyperammonemia due to carbamoyl phosphate synthetase 1 deficiency; CPS 1 deficiency; Carbamyl phosphate synthetase (CPS) deficiency; Carbamoyl-phosphate synthase I deficiency. Identifiers: Orphanet 147, MedGen C4082171, MONDO:0009376, OMIM 237300.

gnomAD v4.1: 4 of 1,610,180 alleles (0.00025%); highest among the groups gnomAD compares: African/African-American, 0.004%; no homozygotes.

Submission:

Labcorp Genetics (formerly Invitae), Labcorp
Classification: Uncertain significance for Congenital hyperammonemia, type I. Last evaluated: 2024-12-09. Review status: criteria provided, single submitter. Criteria: Invitae Variant Classification Sherloc (09022015). Collection method: clinical testing. Allele origin: germline.
Comment: This sequence change falls in intron 11 of the CPS1 gene. It does not directly change the encoded amino acid sequence of the CPS1 protein. It affects a nucleotide within the consensus splice site. This variant is present in population databases (rs369479217, gnomAD 0.007%). This variant has not been reported in the literature in individuals affected with CPS1-related conditions. Variants that disrupt the consensus splice site are a relatively common cause of aberrant splicing (PMID: 17576681, 9536098). Algorithms developed to predict the effect of sequence changes on RNA splicing suggest that this variant is not likely to affect RNA splicing. In summary, the available evidence is currently insufficient to determine the role of this variant in disease. Therefore, it has been classified as a Variant of Uncertain Significance.

Literature cited by the submitters: PubMed 17576681; PubMed 9536098.